The following is an entry in ClinVar:

NM_173076.3(ABCA12):c.6293C>A (p.Ala2098Asp)

Genes: ABCA12 (ATP binding cassette subfamily A member 12; minus strand), SNHG31 (small nucleolar RNA host gene 31; plus strand). Cytogenetic location: 2q35.
Variant type: single nucleotide variant.
Coding change: c.6293C>A on transcript NM_173076.3 (MANE Select); coding-DNA position 6293, C replaced by A.
Protein change: p.Ala2098Asp; replaces alanine 2098 with aspartic acid.
Molecular consequence: missense variant. On other transcripts: non-coding transcript variant (1).
Genome position (GRCh38, 1-based): chr2:214,955,302, G>T on the plus strand (C>A on the coding strand, the complement: ABCA12 is on the minus strand). VCF-style: chr2-214955302-G-T. GRCh37 (hg19) VCF-style: chr2-215820026-G-T.
Other names: c.5339C>A, p.Ala1780Asp (NM_015657.4); short protein forms A1780D, A2098D.
Identifiers: ClinVar variation 1492901 (VCV001492901.6), dbSNP rs1291672671, ClinGen allele CA350447292.
Genomic context (GRCh38, chr2:214,955,302, plus strand): 5'-GACAGGGAAACAATGGAATTAATGCCAAAAAACAAGTTGACACAGACGTAAGTGATGAAG[G>T]CCATTCCTGTTTCATGGAAGAGCCCAGCCAGCAAGTACATCCAGGAAAATGTTGCATACC-3'
Protein context (NP_775099.2, residues 2088-2108): LAGLFHETGM[Ala2098Asp]FITYVCVNLF

ClinVar aggregate classification (germline): Likely pathogenic (1 of 4 stars; one submission).

Allele frequency attached by ClinVar (database versions not stated): gnomAD 0.00001; TOPMed 0.00001.

Submission:

Labcorp Genetics (formerly Invitae), Labcorp
Classification: Likely pathogenic. Last evaluated: 2023-12-04. Review status: criteria provided, single submitter. Criteria: Invitae Variant Classification Sherloc (09022015). Collection method: clinical testing. Allele origin: germline.
Comment: This sequence change replaces alanine, which is neutral and non-polar, with aspartic acid, which is acidic and polar, at codon 2098 of the ABCA12 protein (p.Ala2098Asp). This variant is not present in population databases (gnomAD no frequency). This missense change has been observed in individual(s) with congenital ichthyosis (Invitae). In at least one individual the data is consistent with being in trans (on the opposite chromosome) from a pathogenic variant. ClinVar contains an entry for this variant (Variation ID: 1492901). Advanced modeling of protein sequence and biophysical properties (such as structural, functional, and spatial information, amino acid conservation, physicochemical variation, residue mobility, and thermodynamic stability) performed at Invitae indicates that this missense variant is expected to disrupt ABCA12 protein function with a positive predictive value of 80%. In summary, the currently available evidence indicates that the variant is pathogenic, but additional data are needed to prove that conclusively. Therefore, this variant has been classified as Likely Pathogenic.